The following is an entry in ClinVar:

ClinVar aggregate classification (germline): Uncertain significance (1 of 4 stars; one submission).

Conditions:
Ataxia-telangiectasia syndrome (AT). Also called: ATAXIA-TELANGIECTASIA, FRESNO VARIANT; Ataxia-telangiectasia, complementation group D; Cerebello-oculocutaneous telangiectasia; Immunodeficiency with ataxia telangiectasia; Ataxia-telangiectasia; Ataxia telangiectasia (A-T). Identifiers: Orphanet 100, MedGen C0004135, MONDO:0008840, OMIM 208900.

Submission:

Labcorp Genetics (formerly Invitae), Labcorp
Classification: Uncertain significance for Ataxia-telangiectasia syndrome. Last evaluated: 2018-11-08. Review status: criteria provided, single submitter. Criteria: Invitae Variant Classification Sherloc (09022015). Collection method: clinical testing. Allele origin: germline.
Comment: In summary, the available evidence is currently insufficient to determine the role of this variant in disease. Therefore, it has been classified as a Variant of Uncertain Significance. Algorithms developed to predict the effect of missense changes on protein structure and function output the following: SIFT: "Tolerated"; PolyPhen-2: "Benign"; Align-GVGD: "Class C0". The asparagine amino acid residue is found in multiple mammalian species, suggesting that this missense change does not adversely affect protein function. These predictions have not been confirmed by published functional studies and their clinical significance is uncertain. This variant has not been reported in the literature in individuals with ATM-related disease. This variant is not present in population databases (ExAC no frequency). This sequence change replaces serine with asparagine at codon 867 of the ATM protein (p.Ser867Asn). The serine residue is moderately conserved and there is a small physicochemical difference between serine and asparagine.

NM_000051.4(ATM):c.2600G>A (p.Ser867Asn)

Gene: ATM (ATM serine/threonine kinase; plus strand). Cytogenetic location: 11q22.3.
Variant type: single nucleotide variant.
Coding change: c.2600G>A on transcript NM_000051.4 (MANE Select); coding-DNA position 2600, G replaced by A.
Protein change: p.Ser867Asn; replaces serine 867 with asparagine.
Molecular consequence: missense variant.
Genome position (GRCh38, 1-based): chr11:108,267,304, G>A. VCF-style: chr11-108267304-G-A. GRCh37 (hg19) VCF-style: chr11-108138031-G-A.
Other names: c.2600G>A, p.Ser867Asn (NM_001351834.2); short protein forms S867N.
Identifiers: ClinVar variation 653743 (VCV000653743.8), dbSNP rs1591588485, ClinGen allele CA382544103.